The following is an entry in ClinVar:

ClinVar aggregate classification (germline): Uncertain significance (1 of 4 stars; one submission).

Conditions:
PLXNA3-related disorder. Also called: PLXNA3-related condition.

Submission:

PreventionGenetics, part of Exact Sciences
Classification: Uncertain significance for PLXNA3-related condition. Last evaluated: 2025-12-23. Review status: criteria provided, single submitter. Criteria: ACMG Guidelines, 2015. Collection method: clinical testing. Allele origin: germline.
Comment: The PLXNA3 c.4061G>A variant is predicted to result in the amino acid substitution p.Ser1354Asn. To our knowledge, this variant has not been reported in the literature. This variant is reported in 0.0037% of alleles in individuals of Latino descent in gnomAD. At this time, the clinical significance of this variant is uncertain due to the absence of conclusive functional and genetic evidence.

NM_017514.5(PLXNA3):c.4061G>A (p.Ser1354Asn)

Gene: PLXNA3 (plexin A3; plus strand). Cytogenetic location: Xq28.
Variant type: single nucleotide variant.
Coding change: c.4061G>A on transcript NM_017514.5 (MANE Select); coding-DNA position 4061, G replaced by A.
Protein change: p.Ser1354Asn; replaces serine 1354 with asparagine.
Molecular consequence: missense variant.
Genome position (GRCh38, 1-based): chrX:154,468,400, G>A. VCF-style: chrX-154468400-G-A. GRCh37 (hg19) VCF-style: chrX-153696743-G-A.
Other names: short protein forms S1354N.
Identifiers: ClinVar variation 4995761 (VCV004995761.1).
Genomic context (GRCh38, chrX:154,468,400, plus strand): 5'-GGCAGCTGCTGCACAGCCGCGCGTTCGTGCTTACCTTCATCCACACGCTGGAGGCCCAGA[G>A]CAGCTTCTCCATGCGCGACCGCGGCACCGTGGCCTCGCTCACCATGGTGGCCCTGCAGAG-3'
Protein context (NP_059984.3, residues 1344-1364): LTFIHTLEAQ[Ser1354Asn]SFSMRDRGTV